The following is an entry in ClinVar:

ClinVar aggregate classification (germline): Conflicting classifications of pathogenicity. Review status: criteria provided, conflicting classifications (1 of 4 stars). 6 submissions from 6 submitters: Uncertain significance (5); Likely benign (1). Last evaluated 2023-08-15.

Conditions:
Peutz-Jeghers syndrome (PJS). Also called: POLYPOSIS, HAMARTOMATOUS INTESTINAL; POLYPS-AND-SPOTS SYNDROME; Peutz-Jeghers polyposis; Periorificial lentiginosis syndrome. Identifiers: Orphanet 2869, MedGen C0031269, MeSH D010580, MONDO:0008280, OMIM 175200.
Hereditary cancer-predisposing syndrome. Also called: Hereditary neoplastic syndrome; Tumor predisposition; Hereditary Cancer Syndrome; Neoplastic Syndromes, Hereditary. Identifiers: Orphanet 140162, MedGen C0027672, MeSH D009386, MONDO:0015356.

Allele frequency attached by ClinVar (database versions not stated): ExAC 0.00001; TOPMed 0.00002.
gnomAD v4.1: 24 of 1,609,178 alleles (0.0015%); highest among the groups gnomAD compares: Admixed American, 0.038%; no homozygotes.

Submissions (6):

All of Us Research Program, National Institutes of Health
Classification: Uncertain significance for Peutz-Jeghers syndrome. Last evaluated: 2023-08-15. Review status: criteria provided, single submitter. Criteria: ACMG Guidelines, 2015. Collection method: clinical testing. Allele origin: germline. Inheritance: Autosomal dominant inheritance. Observed: 1 variant allele, 1 heterozygote.
Comment: This study involves interpretation of variants in research participants for the purpose of population health screening. Participant phenotype was not available at the time of variant classification. Additional details can be found in publication PMID: 35346344, PMCID: PMC8962531

Ambry Genetics
Classification: Likely benign for Hereditary cancer-predisposing syndrome. Last evaluated: 2022-11-16. Review status: criteria provided, single submitter. Criteria: Ambry Variant Classification Scheme 2023. Collection method: clinical testing. Allele origin: germline.

Labcorp Genetics (formerly Invitae), Labcorp
Classification: Uncertain significance for Peutz-Jeghers syndrome. Last evaluated: 2021-09-24. Review status: criteria provided, single submitter. Criteria: Invitae Variant Classification Sherloc (09022015). Collection method: clinical testing. Allele origin: germline.
Comment: This sequence change replaces alanine with serine at codon 241 of the STK11 protein (p.Ala241Ser). The alanine residue is highly conserved and there is a moderate physicochemical difference between alanine and serine. This variant is present in population databases (rs587780721, ExAC 0.006%). This variant has not been reported in the literature in individuals affected with STK11-related conditions. ClinVar contains an entry for this variant (Variation ID: 577281). Algorithms developed to predict the effect of missense changes on protein structure and function (SIFT, PolyPhen-2, Align-GVGD) all suggest that this variant is likely to be tolerated. In summary, the available evidence is currently insufficient to determine the role of this variant in disease. Therefore, it has been classified as a Variant of Uncertain Significance.

Genome-Nilou Lab
Classification: Uncertain significance for Peutz-Jeghers syndrome. Last evaluated: 2021-07-15. Review status: criteria provided, single submitter. Criteria: ACMG Guidelines, 2015. Collection method: clinical testing. Allele origin: germline. Affected: no.

Quest Diagnostics Nichols Institute San Juan Capistrano
Classification: Uncertain significance. Last evaluated: 2021-04-29. Review status: criteria provided, single submitter. Criteria: Quest Diagnostics criteria. Collection method: clinical testing. Allele origin: unknown.

GeneDx
Classification: Uncertain significance. Last evaluated: 2019-04-19. Review status: criteria provided, single submitter. Criteria: GeneDx Variant Classification Process June 2021. Collection method: clinical testing. Allele origin: germline. Affected: yes.
Comment: Not observed at a significant frequency in large population cohorts (Lek et al., 2016); This variant is associated with the following publications: (PMID: 30287823)

Literature cited by the submitters: PubMed 30287823 (cited by Ambry Genetics and Quest Diagnostics Nichols Institute San Juan Capistrano).

NM_000455.5(STK11):c.721G>T (p.Ala241Ser)

Gene: STK11 (serine/threonine kinase 11; plus strand). Cytogenetic location: 19p13.3.
Variant type: single nucleotide variant.
Coding change: c.721G>T on transcript NM_000455.5 (MANE Select); coding-DNA position 721, G replaced by T.
Protein change: p.Ala241Ser; replaces alanine 241 with serine.
Molecular consequence: missense variant.
Genome position (GRCh38, 1-based): chr19:1,220,704, G>T. VCF-style: chr19-1220704-G-T. GRCh37 (hg19) VCF-style: chr19-1220703-G-T.
Other names: short protein forms A241S.
Identifiers: ClinVar variation 577281 (VCV000577281.14), dbSNP rs587780721, ClinGen allele CA048542.